The following is an entry in ClinVar:

NM_000283.4(PDE6B):c.1923C>T (p.Thr641=)

Gene: PDE6B (phosphodiesterase 6B; plus strand). Cytogenetic location: 4p16.3.
Variant type: single nucleotide variant.
Coding change: c.1923C>T on transcript NM_000283.4 (MANE Select); coding-DNA position 1923, C replaced by T.
Protein change: p.Thr641=; no amino-acid change (threonine 641 retained).
Molecular consequence: synonymous variant.
Genome position (GRCh38, 1-based): chr4:663,772, C>T. VCF-style: chr4-663772-C-T. GRCh37 (hg19) VCF-style: chr4-657561-C-T.
Other names: c.1923C>T, p.Thr641= (NM_001145291.2); c.1086C>T, p.Thr362= (NM_001145292.2, NM_001350154.3, NM_001379246.1 and 1 more transcripts); c.768C>T, p.Thr256= (NM_001350155.3).
Identifiers: ClinVar variation 731433 (VCV000731433.38), dbSNP rs1162577076, ClinGen allele CA437900668.

ClinVar aggregate classification (germline): Likely benign. Review status: criteria provided, multiple submitters, no conflicts (2 of 4 stars). 4 submissions from 4 submitters: Likely benign (3). 1 of the submissions does not count toward it. Last evaluated 2025-11-28.

Conditions:
Retinal dystrophy. Also called: Inherited retinal dystrophy. Identifiers: Orphanet 71862, MedGen C0854723, MeSH D058499, MONDO:0019118, HP:0000556.

Allele frequency attached by ClinVar (database versions not stated): gnomAD 0.00007 and 0.00010.
gnomAD v4.1: 124 of 1,611,198 alleles (0.0077%); highest among the groups gnomAD compares: Non-Finnish European, 0.0078%; no homozygotes.

Submissions (4):

Labcorp Genetics (formerly Invitae), Labcorp
Classification: Likely benign. Last evaluated: 2025-11-28. Review status: criteria provided, single submitter. Criteria: Invitae Variant Classification Sherloc (09022015). Collection method: clinical testing. Allele origin: germline.

Blueprint Genetics
Classification: Likely benign. Last evaluated: 2024-05-21. Review status: criteria provided, single submitter. Criteria: ACMG Guidelines, 2015. Collection method: clinical testing. Allele origin: germline.

CeGaT Center for Human Genetics Tuebingen
Classification: Likely benign. Last evaluated: 2023-03-01. Review status: criteria provided, single submitter. Criteria: CeGaT Center For Human Genetics Tuebingen Variant Classification Criteria Version 2. Collection method: clinical testing. Allele origin: germline. Affected: yes. Observed: 1 variant allele.
Comment: PDE6B: BP4, BP7

Institute of Human Genetics, Univ. Regensburg, Univ. Regensburg
Classification: Pathogenic for Retinal dystrophy. Last evaluated: 2021-01-01. Review status: no assertion criteria provided. Criteria: ACMG Guidelines, 2015. Collection method: clinical testing. Allele origin: germline. Affected: yes. Not counted in ClinVar's aggregate classification.